The following is an entry in ClinVar:

NM_014639.4(SKIC3):c.3625C>T (p.Arg1209Ter)

Gene: SKIC3 (SKI3 subunit of superkiller complex; minus strand). Cytogenetic location: 5q15.
Variant type: single nucleotide variant.
Coding change: c.3625C>T on transcript NM_014639.4 (MANE Select); coding-DNA position 3625, C replaced by T.
Protein change: p.Arg1209Ter; replaces arginine 1209 with a stop codon.
Molecular consequence: nonsense.
Genome position (GRCh38, 1-based): chr5:95,497,427, G>A on the plus strand (C>T on the coding strand, the complement: SKIC3 is on the minus strand). VCF-style: chr5-95497427-G-A. GRCh37 (hg19) VCF-style: chr5-94833131-G-A.
Other names: short protein forms R1209*.
Identifiers: ClinVar variation 827751 (VCV000827751.11), dbSNP rs140800288, ClinGen allele CA3346671.

ClinVar aggregate classification (germline): Pathogenic/Likely pathogenic. Review status: criteria provided, multiple submitters, no conflicts (2 of 4 stars). 6 submissions from 6 submitters: Pathogenic (4); Likely pathogenic (2). Last evaluated 2025-09-19.

Conditions:
Trichohepatoenteric syndrome 1 (THES1). Also called: DIARRHEA, FATAL INFANTILE, WITH TRICHORRHEXIS NODOSA. Identifiers: Orphanet 84064, MedGen C4551982, MONDO:0024541, OMIM 222470.
TTC37-related disorders.
Inherited Immunodeficiency Diseases. Identifiers: MedGen C5197805, MeSH D000081207.

Allele frequency attached by ClinVar (database versions not stated): gnomAD exomes 0.00004 and 0.00008; gnomAD 0.00006; TOPMed 0.00006; ExAC 0.00009; ESP Exome Variant Server 0.00023.
gnomAD v4.1: 70 of 1,612,792 alleles (0.0043%); highest among the groups gnomAD compares: African/African-American, 0.004%; no homozygotes.

Submissions (6):

Labcorp Genetics (formerly Invitae), Labcorp
Classification: Pathogenic. Last evaluated: 2025-09-19. Review status: criteria provided, single submitter. Criteria: Invitae Variant Classification Sherloc (09022015). Collection method: clinical testing. Allele origin: germline.
Comment: This sequence change creates a premature translational stop signal (p.Arg1209*) in the TTC37 gene. It is expected to result in an absent or disrupted protein product. Loss-of-function variants in TTC37 are known to be pathogenic (PMID: 20176027, 21120949). This variant is present in population databases (rs140800288, gnomAD 0.1%). This variant has not been reported in the literature in individuals affected with TTC37-related conditions. ClinVar contains an entry for this variant (Variation ID: 827751). For these reasons, this variant has been classified as Pathogenic.

Blueprint Genetics
Classification: Likely pathogenic for TTC37-related disorders. Last evaluated: 2024-02-29. Review status: criteria provided, single submitter. Criteria: ACMG Guidelines, 2015. Collection method: clinical testing. Allele origin: germline. Affected: yes. Observed: 2 variant alleles.

Baylor Genetics
Classification: Pathogenic for Trichohepatoenteric syndrome 1. Last evaluated: 2024-02-24. Review status: criteria provided, single submitter. Criteria: ACMG Guidelines, 2015. Collection method: clinical testing. Allele origin: unknown.

Fulgent Genetics
Classification: Pathogenic for Trichohepatoenteric syndrome 1. Last evaluated: 2022-02-17. Review status: criteria provided, single submitter. Criteria: ACMG Guidelines, 2015. Collection method: clinical testing. Allele origin: unknown.

NIHR Bioresource Rare Diseases, University of Cambridge
Classification: Likely pathogenic for Inherited Immunodeficiency Diseases. Last evaluated: 2019-01-01. Review status: criteria provided, single submitter. Criteria: ACMG Guidelines, 2015. Collection method: research. Allele origin: germline. Affected: yes. Observed: 1 heterozygote.

Juno Genomics, Hangzhou Juno Genomics, Inc
Classification: Pathogenic for Trichohepatoenteric syndrome 1. Review status: criteria provided, single submitter. Criteria: ACMG Guidelines, 2015. Collection method: clinical testing. Allele origin: germline. Affected: yes.
Comment: Null variant in a gene where loss of function (LOF) is a known mechanism of disease.;Absent from controls (or at extremely low frequency if recessive) in Genome Aggregation Database, Exome Sequencing Project, 1000 Genomes Project, or Exome Aggregation Consortium.;For recessive disorders, detected in trans with a pathogenic variant.

Literature cited by the submitters: PubMed 20176027 (cited by Labcorp Genetics (formerly Invitae), Labcorp); PubMed 21120949 (cited by Labcorp Genetics (formerly Invitae), Labcorp).